The following is an entry in ClinVar:

ClinVar aggregate classification (germline): Uncertain significance (1 of 4 stars; one submission).

Submission:

Labcorp Genetics (formerly Invitae), Labcorp
Classification: Uncertain significance. Last evaluated: 2023-07-13. Review status: criteria provided, single submitter. Criteria: Invitae Variant Classification Sherloc (09022015). Collection method: clinical testing. Allele origin: germline.
Comment: In summary, the available evidence is currently insufficient to determine the role of this variant in disease. Therefore, it has been classified as a Variant of Uncertain Significance. Experimental studies and prediction algorithms are not available or were not evaluated, and the functional significance of this variant is currently unknown. This variant has not been reported in the literature in individuals affected with PACS2-related conditions. This variant is not present in population databases (gnomAD no frequency). This variant, c.2467_2469del, results in the deletion of 1 amino acid(s) of the PACS2 protein (p.Glu823del), but otherwise preserves the integrity of the reading frame.

NM_001100913.3(PACS2):c.2467_2469del (p.Glu823del)

Gene: PACS2 (phosphofurin acidic cluster sorting protein 2; plus strand). Cytogenetic location: 14q32.33.
Variant type: Deletion.
Coding change: c.2467_2469del on transcript NM_001100913.3 (MANE Select); coding-DNA positions 2467 to 2469, 3 bases deleted (GAG; older notation c.2467_2469delGAG).
Protein change: p.Glu823del; deletes glutamic acid 823.
Molecular consequence: inframe deletion.
Genome position (GRCh38, 1-based): chr14:105,392,830-105,392,832, GAG deleted; deleting any 3 consecutive bases within chr14:105,392,828-105,392,832 gives the same sequence; the c. name uses the placement nearest the transcript's 3' end. VCF-style (leftmost placement, unchanged base first): chr14-105392827-AAGG-A. GRCh37 (hg19) VCF-style: chr14-105859164-AAGG-A.
Other names: c.2197_2199del, p.Glu733del (NM_001243127.3); c.2422_2424del, p.Glu808del (NM_015197.4); short protein forms E823del, E808del, E733del.
Identifiers: ClinVar variation 2742895 (VCV002742895.3), dbSNP rs1555415328, ClinGen allele CA919499574.